The following is an entry in ClinVar:

ClinVar aggregate classification (germline): Uncertain significance (1 of 4 stars; one submission).

gnomAD v4.1: 3 of 1,611,232 alleles (0.00019%); highest among the groups gnomAD compares: Non-Finnish European, 0.00025%; no homozygotes.

Submission:

Labcorp Genetics (formerly Invitae), Labcorp
Classification: Uncertain significance. Last evaluated: 2025-11-13. Review status: criteria provided, single submitter. Criteria: Invitae Variant Classification Sherloc (09022015). Collection method: clinical testing. Allele origin: germline.
Comment: This sequence change replaces arginine, which is basic and polar, with proline, which is neutral and non-polar, at codon 112 of the GUF1 protein (p.Arg112Pro). This variant is present in population databases (no rsID available, gnomAD 0.0009%). This variant has not been reported in the literature in individuals affected with GUF1-related conditions. Invitae Evidence Modeling of protein sequence and biophysical properties (such as structural, functional, and spatial information, amino acid conservation, physicochemical variation, residue mobility, and thermodynamic stability) indicates that this missense variant is expected to disrupt GUF1 protein function with a positive predictive value of 80%. In summary, the available evidence is currently insufficient to determine the role of this variant in disease. Therefore, it has been classified as a Variant of Uncertain Significance.

NM_021927.3(GUF1):c.335G>C (p.Arg112Pro)

Gene: GUF1 (GTP binding elongation factor GUF1; plus strand). Cytogenetic location: 4p12.
Variant type: single nucleotide variant.
Coding change: c.335G>C on transcript NM_021927.3 (MANE Select); coding-DNA position 335, G replaced by C.
Protein change: p.Arg112Pro; replaces arginine 112 with proline.
Molecular consequence: missense variant. On other transcripts: 5 prime UTR variant (2).
Genome position (GRCh38, 1-based): chr4:44,680,751, G>C. VCF-style: chr4-44680751-G-C. GRCh37 (hg19) VCF-style: chr4-44682768-G-C.
Other names: c.-634G>C (NM_001345867.2); c.335G>C, p.Arg112Pro (NM_001345868.2); c.-638G>C (NM_001345869.2); short protein forms R112P.
Identifiers: ClinVar variation 4700735 (VCV004700735.1).
Genomic context (GRCh38, chr4:44,680,751, plus strand): 5'-TAGGGACAATTGATAAAACAAAGAATAATAAGCAGGTTCTTGATAAATTGCAAGTGGAAC[G>C]AGAAAGAGGAATCACTGTTAAAGCACAGACAGCATCTCTCTTTTACAATTGTGAAGGAAA-3'
Protein context (NP_068746.2, residues 102-122): KQVLDKLQVE[Arg112Pro]ERGITVKAQT